The following is an entry in ClinVar:

ClinVar aggregate classification (germline): Benign/Likely benign. Review status: criteria provided, multiple submitters, no conflicts (2 of 4 stars). 2 submissions from 2 submitters: Benign (1); Likely benign (1). Last evaluated 2026-04-01.

Allele frequency attached by ClinVar (database versions not stated): gnomAD exomes 0.00003; ExAC 0.00006; ESP Exome Variant Server 0.00016.
gnomAD v4.1: 49 of 1,613,776 alleles (0.003%); highest among the groups gnomAD compares: African/African-American, 0.008%; no homozygotes.

Submissions (2):

CeGaT Center for Human Genetics Tuebingen
Classification: Likely benign. Last evaluated: 2026-04-01. Review status: criteria provided, single submitter. Criteria: CeGaT Center For Human Genetics Tuebingen Variant Classification Criteria Version 2. Collection method: clinical testing. Allele origin: germline. Affected: yes. Observed: 2 variant alleles.
Comment: KMT2B: BP4, BP7

Labcorp Genetics (formerly Invitae), Labcorp
Classification: Benign. Last evaluated: 2024-10-21. Review status: criteria provided, single submitter. Criteria: Invitae Variant Classification Sherloc (09022015). Collection method: clinical testing. Allele origin: germline.

NM_014727.3(KMT2B):c.4671A>G (p.Pro1557=)

Gene: KMT2B (lysine methyltransferase 2B; plus strand). Cytogenetic location: 19q13.12.
Variant type: single nucleotide variant.
Coding change: c.4671A>G on transcript NM_014727.3 (MANE Select); coding-DNA position 4671, A replaced by G.
Protein change: p.Pro1557=; no amino-acid change (proline 1557 retained).
Molecular consequence: synonymous variant.
Genome position (GRCh38, 1-based): chr19:35,728,873, A>G. VCF-style: chr19-35728873-A-G. GRCh37 (hg19) VCF-style: chr19-36219774-A-G.
Identifiers: ClinVar variation 2185343 (VCV002185343.28), dbSNP rs377576838, ClinGen allele CA9385177.
Genomic context (GRCh38, chr19:35,728,873, plus strand): 5'-TCATGTCTATGCGCAGTGGAGACAGCAGGAACCAGAGACCCCAGAATCAGGGCAGCCTCC[A>G]GGGGATCCCTCAGCAGGTACTGGGAAGTGGGGGTCCAGAAGCCAGGGCCCTGTGTTGGTG-3'
Protein context (NP_055542.1, residues 1547-1567): EPETPESGQP[Pro1557=]GDPSAAFQGK